The following is an entry in ClinVar:

NM_014141.6(CNTNAP2):c.81G>A (p.Thr27=)

Gene: CNTNAP2 (contactin associated protein 2; plus strand). Cytogenetic location: 7q35.
Variant type: single nucleotide variant.
Coding change: c.81G>A on transcript NM_014141.6 (MANE Select); coding-DNA position 81, G replaced by A.
Protein change: p.Thr27=; no amino-acid change (threonine 27 retained).
Molecular consequence: synonymous variant.
Genome position (GRCh38, 1-based): chr7:146,116,957, G>A. VCF-style: chr7-146116957-G-A. GRCh37 (hg19) VCF-style: chr7-145814049-G-A.
Identifiers: ClinVar variation 3257470 (VCV003257470.17).

ClinVar aggregate classification (germline): Likely benign (1 of 4 stars; one submission).

Submission:

CeGaT Center for Human Genetics Tuebingen
Classification: Likely benign. Last evaluated: 2024-07-01. Review status: criteria provided, single submitter. Criteria: CeGaT Center For Human Genetics Tuebingen Variant Classification Criteria Version 2. Collection method: clinical testing. Allele origin: germline. Affected: yes. Observed: 1 variant allele.
Comment: CNTNAP2: PM2:Supporting, BP4, BP7